The following is an entry in ClinVar:

NM_001374828.1(ARID1B):c.6319G>T (p.Glu2107Ter)

Gene: ARID1B (AT-rich interaction domain 1B; plus strand). Cytogenetic location: 6q25.3.
Variant type: single nucleotide variant.
Coding change: c.6319G>T on transcript NM_001374828.1 (MANE Select); coding-DNA position 6319, G replaced by T.
Protein change: p.Glu2107Ter; replaces glutamic acid 2107 with a stop codon.
Molecular consequence: nonsense.
Genome position (GRCh38, 1-based): chr6:157,207,091, G>T. VCF-style: chr6-157207091-G-T. GRCh37 (hg19) VCF-style: chr6-157528225-G-T.
Other names: c.3820G>T, p.Glu1274Ter (NM_001363725.2); c.6199G>T, p.Glu2067Ter (NM_001371656.1, NM_001374820.1); c.6160G>T, p.Glu2054Ter (NM_017519.3); short protein forms E1274*, E2054*, E2067*, E2107*.
Identifiers: ClinVar variation 191217 (VCV000191217.2), dbSNP rs786205584, ClinGen allele CA236275.

ClinVar aggregate classification (germline): Pathogenic. Review status: criteria provided, single submitter (1 of 4 stars). 2 submissions from 1 submitter: Pathogenic (1). 1 of the submissions does not count toward it. Last evaluated 2024-03-25.

Conditions:
Coffin-Siris syndrome 1 (CSS1). Also called: ARID1B-Related Coffin-Siris Syndrome; Mental retardation, autosomal dominant 12. Identifiers: Orphanet 1465, MedGen C3281201, MONDO:0007617, OMIM 135900. Disease mechanism: gain of function.

Submissions (2):

Genomic Medicine Center of Excellence, King Faisal Specialist Hospital and Research Centre
Classification: Pathogenic for Coffin-Siris syndrome 1. Last evaluated: 2024-03-25. Review status: criteria provided, single submitter. Criteria: ACMG Guidelines, 2015. Collection method: clinical testing. Allele origin: germline.

Genomic Medicine Center of Excellence, King Faisal Specialist Hospital and Research Centre
Classification: Likely pathogenic. Review status: flagged submission. Criteria: ACMG Guidelines, 2015. Collection method: research. Allele origin: germline. Affected: yes. Not counted in ClinVar's aggregate classification.
ClinVar note: Reason: This record appears to be redundant with a more recent record from the same submitter.
ClinVar note: Notes: SCV000221601 appears to be redundant with SCV004806031.